The following is an entry in ClinVar:

NM_017866.6(TMEM70):c.*494T>C

Gene: TMEM70 (transmembrane protein 70; plus strand). Cytogenetic location: 8q21.11.
Variant type: single nucleotide variant.
Coding change: c.*494T>C on transcript NM_017866.6 (MANE Select); 494 bases downstream of the stop codon, T replaced by C.
Molecular consequence: 3 prime UTR variant. On other transcripts: non-coding transcript variant (1).
Genome position (GRCh38, 1-based): chr8:73,982,115, T>C. VCF-style: chr8-73982115-T-C. GRCh37 (hg19) VCF-style: chr8-74894350-T-C.
Other names: c.*967T>C (NM_001040613.3).
Identifiers: ClinVar variation 363702 (VCV000363702.5), dbSNP rs143011318, ClinGen allele CA4784167.

ClinVar aggregate classification (germline): Benign (1 of 4 stars; one submission).

Conditions:
Mitochondrial complex V (ATP synthase) deficiency, nuclear type 2. Also called: Nuclear-Encoded ATPase Deficiency, TMEM70-Related; ENCEPHALOCARDIOMYOPATHY, MITOCHONDRIAL, NEONATAL, DUE TO ATP SYNTHASE DEFICIENCY; MITOCHONDRIAL COMPLEX V (ATP SYNTHASE) DEFICIENCY, TMEM70 TYPE. Identifiers: Orphanet 1194, MedGen C3279699, MONDO:0013546, OMIM 614052.

Allele frequency attached by ClinVar (database versions not stated): gnomAD 0.01502 and 0.01587; gnomAD exomes 0.02386; TOPMed 0.02486; 1000 Genomes Project 0.02955; 1000 Genomes Project 30x 0.03076; ExAC 0.06144.
gnomAD v4.1: 10,324 of 493,908 alleles (2.1%); highest among the groups gnomAD compares: Admixed American, 18%; 989 homozygotes.

Submission:

Illumina Laboratory Services, Illumina
Classification: Benign for Mitochondrial complex V (ATP synthase) deficiency, nuclear type 2. Last evaluated: 2018-01-12. Review status: criteria provided, single submitter. Criteria: ICSL Variant Classification Criteria 13 December 2019. Collection method: clinical testing. Allele origin: germline.
Comment: This variant was observed in the ICSL laboratory as part of a predisposition screen in an ostensibly healthy population. It had not been previously curated by ICSL or reported in the Human Gene Mutation Database (HGMD: prior to June 1st, 2018), and was therefore a candidate for classification through an automated scoring system. Utilizing variant allele frequency, disease prevalence and penetrance estimates, and inheritance mode, an automated score was calculated to assess if this variant is too frequent to cause the disease. Based on the score and internal cut-off values, a variant classified as benign is not then subjected to further curation. The score for this variant resulted in a classification of benign for this disease.